The following is an entry in ClinVar:

NM_005732.4(RAD50):c.2465A>G (p.Asp822Gly)

Gene: RAD50 (RAD50 double strand break repair protein; plus strand). Cytogenetic location: 5q31.1.
Variant type: single nucleotide variant.
Coding change: c.2465A>G on transcript NM_005732.4 (MANE Select); coding-DNA position 2465, A replaced by G.
Protein change: p.Asp822Gly; replaces aspartic acid 822 with glycine.
Molecular consequence: missense variant.
Genome position (GRCh38, 1-based): chr5:132,603,987, A>G. VCF-style: chr5-132603987-A-G. GRCh37 (hg19) VCF-style: chr5-131939679-A-G.
Other names: short protein forms D822G.
Identifiers: ClinVar variation 1791676 (VCV001791676.2), dbSNP rs2479666253, ClinGen allele CA360955646.
Genomic context (GRCh38, chr5:132,603,987, plus strand): 5'-TTAAAGATGTTGAAAGAAAAATTGCACAACAAGCAGCTAAGCTACAAGGAATAGACTTAG[A>G]TCGAACTGTCCAACAAGTCAACCAGGAGAAACAAGAGAAACAGCACAAGTTAGACACAGG-3'
Protein context (NP_005723.2, residues 812-832): QAAKLQGIDL[Asp822Gly]RTVQQVNQEK

ClinVar aggregate classification (germline): Uncertain significance (1 of 4 stars; one submission).

Conditions:
Hereditary cancer-predisposing syndrome. Also called: Hereditary Cancer Syndrome; Hereditary neoplastic syndrome; Tumor predisposition; Neoplastic Syndromes, Hereditary. Identifiers: Orphanet 140162, MedGen C0027672, MeSH D009386, MONDO:0015356.

Submission:

Ambry Genetics
Classification: Uncertain significance for Hereditary cancer-predisposing syndrome. Last evaluated: 2022-05-30. Review status: criteria provided, single submitter. Criteria: Ambry Variant Classification Scheme 2023. Collection method: clinical testing. Allele origin: germline.
Comment: The p.D822G variant (also known as c.2465A>G), located in coding exon 15 of the RAD50 gene, results from an A to G substitution at nucleotide position 2465. The aspartic acid at codon 822 is replaced by glycine, an amino acid with similar properties. This amino acid position is conserved. In addition, this alteration is predicted to be tolerated by in silico analysis. Since supporting evidence is limited at this time, the clinical significance of this alteration remains unclear.